The following is an entry in ClinVar:

NM_003803.4(MYOM1):c.2977G>A (p.Glu993Lys)

Gene: MYOM1 (myomesin 1; minus strand). Cytogenetic location: 18p11.31.
Variant type: single nucleotide variant.
Coding change: c.2977G>A on transcript NM_003803.4 (MANE Select); coding-DNA position 2977, G replaced by A.
Protein change: p.Glu993Lys; replaces glutamic acid 993 with lysine.
Molecular consequence: missense variant.
Genome position (GRCh38, 1-based): chr18:3,126,715, C>T on the plus strand (G>A on the coding strand, the complement: MYOM1 is on the minus strand). VCF-style: chr18-3126715-C-T. GRCh37 (hg19) VCF-style: chr18-3126713-C-T.
Other names: c.2689G>A, p.Glu897Lys (NM_019856.2); short protein forms E993K, E897K.
Identifiers: ClinVar variation 1421868 (VCV001421868.8), dbSNP rs749399014, ClinGen allele CA8874485.

ClinVar aggregate classification (germline): Uncertain significance (1 of 4 stars; one submission).

Conditions:
Hypertrophic cardiomyopathy. Also called: HYPERTROPHIC MYOCARDIOPATHY. Identifiers: Orphanet 217569, MedGen C0007194, MeSH D002312, MONDO:0005045, HP:0001639.

Allele frequency attached by ClinVar (database versions not stated): ExAC 0.00001.
gnomAD v4.1: 2 of 1,613,064 alleles (0.00012%); highest among the groups gnomAD compares: Non-Finnish European, 0.00017%; no homozygotes.

Submission:

Labcorp Genetics (formerly Invitae), Labcorp
Classification: Uncertain significance for Hypertrophic cardiomyopathy. Last evaluated: 2020-11-25. Review status: criteria provided, single submitter. Criteria: Invitae Variant Classification Sherloc (09022015). Collection method: clinical testing. Allele origin: germline.
Comment: In summary, the available evidence is currently insufficient to determine the role of this variant in disease. Therefore, it has been classified as a Variant of Uncertain Significance. Algorithms developed to predict the effect of missense changes on protein structure and function are either unavailable or do not agree on the potential impact of this missense change (SIFT: "Tolerated"; PolyPhen-2: "Possibly Damaging"; Align-GVGD: "Class C0"). This variant has not been reported in the literature in individuals with MYOM1-related conditions. This variant is present in population databases (rs749399014, ExAC 0.002%). This sequence change replaces glutamic acid with lysine at codon 993 of the MYOM1 protein (p.Glu993Lys). The glutamic acid residue is weakly conserved and there is a small physicochemical difference between glutamic acid and lysine.